The following is an entry in ClinVar:

NM_000362.5(TIMP3):c.70T>C (p.Cys24Arg)

Genes: SYN3 (synapsin III; minus strand), TIMP3 (TIMP metallopeptidase inhibitor 3; plus strand). Cytogenetic location: 22q12.3.
Variant type: single nucleotide variant.
Coding change: c.70T>C on transcript NM_000362.5 (MANE Select); coding-DNA position 70, T replaced by C.
Protein change: p.Cys24Arg; replaces cysteine 24 with arginine.
Molecular consequence: missense variant. On other transcripts: intron variant (7).
Genome position (GRCh38, 1-based): chr22:32,802,071, T>C. VCF-style: chr22-32802071-T-C. GRCh37 (hg19) VCF-style: chr22-33198057-T-C.
Other names: c.708+62844A>G (NM_001369909.1, NM_001135774.2, NM_001369910.1); c.711+62844A>G (NM_001369907.1, NM_003490.4, NM_001369908.1 and 1 more transcripts); short protein forms C24R.
Identifiers: ClinVar variation 2910478 (VCV002910478.3), dbSNP rs2545723008, ClinGen allele CA411539016.

ClinVar aggregate classification (germline): Uncertain significance (1 of 4 stars; one submission).

Submission:

Labcorp Genetics (formerly Invitae), Labcorp
Classification: Uncertain significance. Last evaluated: 2023-05-30. Review status: criteria provided, single submitter. Criteria: Invitae Variant Classification Sherloc (09022015). Collection method: clinical testing. Allele origin: germline.
Comment: This missense change has been observed in individual(s) with TIMP3-related conditions (PMID: 28559085). In summary, the available evidence is currently insufficient to determine the role of this variant in disease. Therefore, it has been classified as a Variant of Uncertain Significance. An algorithm developed to predict the effect of missense changes on protein structure and function (PolyPhen-2) suggests that this variant is likely to be disruptive. This variant is not present in population databases (gnomAD no frequency). This sequence change replaces cysteine, which is neutral and slightly polar, with arginine, which is basic and polar, at codon 24 of the TIMP3 protein (p.Cys24Arg).

Literature cited by the submitters: PubMed 28559085.